The following is an entry in ClinVar:

NM_000132.4(F8):c.5561G>A (p.Trp1854Ter)

Gene: F8 (coagulation factor VIII; minus strand). Cytogenetic location: Xq28.
Variant type: single nucleotide variant.
Coding change: c.5561G>A on transcript NM_000132.4 (MANE Select); coding-DNA position 5561, G replaced by A.
Protein change: p.Trp1854Ter; replaces tryptophan 1854 with a stop codon.
Molecular consequence: nonsense.
Genome position (GRCh38, 1-based): chrX:154,904,836, C>T on the plus strand (G>A on the coding strand, the complement: F8 is on the minus strand). VCF-style: chrX-154904836-C-T. GRCh37 (hg19) VCF-style: chrX-154133111-C-T.
Other names: short protein forms W1854*.
Identifiers: ClinVar variation 2682202 (VCV002682202.1), dbSNP rs2073029506, ClinGen allele CA414908472.

ClinVar aggregate classification (germline): Pathogenic (1 of 4 stars; one submission).

Conditions:
Hereditary factor VIII deficiency disease (HEMA). Also called: HEMOPHILIA, CLASSIC; AUTOSOMAL HEMOPHILIA A; Hemophilia A; Hemophilia A, congenital; HEM A; Factor 8 deficiency, congenital. Identifiers: Orphanet 98878, MedGen C0019069, MONDO:0010602, OMIM 306700.

Submission:

Women's Health and Genetics/Laboratory Corporation of America, LabCorp
Classification: Pathogenic for Hereditary factor VIII deficiency disease. Last evaluated: 2023-11-21. Review status: criteria provided, single submitter. Criteria: LabCorp Variant Classification Summary - May 2015. Collection method: clinical testing. Allele origin: germline.
Comment: Variant summary: F8 c.5561G>A (p.Trp1854X) results in a premature termination codon, predicted to cause a truncation of the encoded protein or absence of the protein due to nonsense mediated decay, which are commonly known mechanisms for disease. The variant was absent in 183320 control chromosomes. c.5561G>A has been reported in the literature in multiple individuals affected with Factor VIII Deficiency (Hemophilia A) (e.g., Nair_2014). The following publication has been ascertained in the context of this evaluation (PMID: 24845853). No submitters have cited clinical-significance assessments for this variant to ClinVar after 2014. Based on the evidence outlined above, the variant was classified as pathogenic.

Literature cited by the submitters: PubMed 24845853.